The following is an entry in ClinVar:

NM_182961.4(SYNE1):c.9343G>A (p.Glu3115Lys)

Gene: SYNE1 (spectrin repeat containing nuclear envelope protein 1; minus strand). Cytogenetic location: 6q25.2.
Variant type: single nucleotide variant.
Coding change: c.9343G>A on transcript NM_182961.4 (MANE Select); coding-DNA position 9343, G replaced by A.
Protein change: p.Glu3115Lys; replaces glutamic acid 3115 with lysine.
Molecular consequence: missense variant.
Genome position (GRCh38, 1-based): chr6:152,373,201, C>T on the plus strand (G>A on the coding strand, the complement: SYNE1 is on the minus strand). VCF-style: chr6-152373201-C-T. GRCh37 (hg19) VCF-style: chr6-152694336-C-T.
Other names: c.9364G>A, p.Glu3122Lys (NM_033071.5); short protein forms E3122K, E3115K.
Identifiers: ClinVar variation 4791108 (VCV004791108.1).

ClinVar aggregate classification (germline): Uncertain significance (1 of 4 stars; one submission).

Conditions:
Autosomal recessive ataxia, Beauce type. Also called: SYNE1-Related Autosomal Recessive Cerebellar Ataxia; Spinocerebellar ataxia, autosomal recessive 8; ATAXIA, RECESSIVE, OF BEAUCE; SYNE1 Deficiency. Identifiers: Orphanet 88644, MedGen C1853116, MONDO:0012549, OMIM 610743.
Emery-Dreifuss muscular dystrophy 4, autosomal dominant (EDMD4). Also called: EMERY-DREIFUSS MUSCULAR DYSTROPHY 4 WITH VARIABLE FEATURES. Identifiers: Orphanet 261, MedGen C2751807, MONDO:0013071, OMIM 612998.

Submission:

Labcorp Genetics (formerly Invitae), Labcorp
Classification: Uncertain significance for Emery-Dreifuss muscular dystrophy 4, autosomal dominant; Autosomal recessive ataxia, Beauce type. Last evaluated: 2025-11-28. Review status: criteria provided, single submitter. Criteria: Invitae Variant Classification Sherloc (09022015). Collection method: clinical testing. Allele origin: germline.
Comment: This sequence change replaces glutamic acid, which is acidic and polar, with lysine, which is basic and polar, at codon 3122 of the SYNE1 protein (p.Glu3122Lys). This variant is not present in population databases (gnomAD no frequency). This variant has not been reported in the literature in individuals affected with SYNE1-related conditions. An algorithm developed to predict the effect of missense changes on protein structure and function (PolyPhen-2) suggests that this variant is likely to be tolerated. In summary, the available evidence is currently insufficient to determine the role of this variant in disease. Therefore, it has been classified as a Variant of Uncertain Significance.